The following is an entry in ClinVar:

NM_017763.6(RNF43):c.1556G>A (p.Arg519Gln)

Gene: RNF43 (ring finger protein 43; minus strand). Cytogenetic location: 17q22.
Variant type: single nucleotide variant.
Coding change: c.1556G>A on transcript NM_017763.6 (MANE Select); coding-DNA position 1556, G replaced by A.
Protein change: p.Arg519Gln; replaces arginine 519 with glutamine.
Molecular consequence: missense variant.
Genome position (GRCh38, 1-based): chr17:58,358,220, C>T on the plus strand (G>A on the coding strand, the complement: RNF43 is on the minus strand). VCF-style: chr17-58358220-C-T. GRCh37 (hg19) VCF-style: chr17-56435581-C-T.
Other names: c.1556G>A (NM_017763.4); c.1556G>A, p.Arg519Gln (NM_001305544.3); c.1175G>A, p.Arg392Gln (NM_001305545.2); short protein forms R392Q, R519Q.
Identifiers: ClinVar variation 1126927 (VCV001126927.15), dbSNP rs200166143, ClinGen allele CA8673158.

ClinVar aggregate classification (germline): Conflicting classifications of pathogenicity. Review status: criteria provided, conflicting classifications (1 of 4 stars). 4 submissions from 4 submitters: Uncertain significance (2); Likely benign (2). Last evaluated 2025-12-11.

Allele frequency attached by ClinVar (database versions not stated): ExAC 0.00013; 1000 Genomes Project 30x 0.00016; 1000 Genomes Project 0.00020; gnomAD 0.00005 and 0.00009.
gnomAD v4.1: 356 of 1,613,502 alleles (0.022%); highest among the groups gnomAD compares: East Asian, 0.72%; 1 homozygote.

Submissions (4):

Labcorp Genetics (formerly Invitae), Labcorp
Classification: Likely benign. Last evaluated: 2025-12-11. Review status: criteria provided, single submitter. Criteria: Invitae Variant Classification Sherloc (09022015). Collection method: clinical testing. Allele origin: germline.

Center for Genomic Medicine, Rigshospitalet, Copenhagen University Hospital
Classification: Uncertain significance. Last evaluated: 2025-03-04. Review status: criteria provided, single submitter. Criteria: ACMG Guidelines, 2015. Collection method: clinical testing. Allele origin: germline.

Ambry Genetics
Classification: Likely benign. Last evaluated: 2024-12-18. Review status: criteria provided, single submitter. Criteria: Ambry Variant Classification Scheme 2023. Collection method: clinical testing. Allele origin: germline.

GeneDx
Classification: Uncertain significance. Last evaluated: 2023-07-20. Review status: criteria provided, single submitter. Criteria: GeneDx Variant Classification Process June 2021. Collection method: clinical testing. Allele origin: germline. Affected: yes.
Comment: In silico analysis supports that this missense variant does not alter protein structure/function; Has not been previously published as pathogenic or benign to our knowledge; Variants in candidate genes are classified as variants of uncertain significance in accordance with ACMG guidelines (Richards et al., 2015); This variant is associated with the following publications: (PMID: 27514024)